The following is an entry in ClinVar:

NM_000414.4(HSD17B4):c.925T>C (p.Ser309Pro)

Gene: HSD17B4 (hydroxysteroid 17-beta dehydrogenase 4; plus strand). Cytogenetic location: 5q23.1.
Variant type: single nucleotide variant.
Coding change: c.925T>C on transcript NM_000414.4 (MANE Select); coding-DNA position 925, T replaced by C.
Protein change: p.Ser309Pro; replaces serine 309 with proline.
Molecular consequence: missense variant. On other transcripts: non-coding transcript variant (2).
Genome position (GRCh38, 1-based): chr5:119,496,599, T>C. VCF-style: chr5-119496599-T-C. GRCh37 (hg19) VCF-style: chr5-118832294-T-C.
Other names: c.598T>C, p.Ser200Pro (NM_001374499.1); c.484T>C, p.Ser162Pro (NM_001374500.1); c.514T>C, p.Ser172Pro (NM_001374501.1, NM_001374502.1, NM_001374503.1); c.1000T>C, p.Ser334Pro (NM_001199291.3); c.871T>C, p.Ser291Pro (NM_001199292.2); c.853T>C, p.Ser285Pro (NM_001292027.2); c.505T>C, p.Ser169Pro (NM_001292028.2); c.916T>C, p.Ser306Pro (NM_001374497.1); and 1 more; short protein forms S309P, S169P, S172P, S291P, S306P, S334P, S162P, S200P.
Identifiers: ClinVar variation 2061491 (VCV002061491.1), dbSNP rs763640733, ClinGen allele CA3382039.

ClinVar aggregate classification (germline): Uncertain significance (1 of 4 stars; one submission).

Conditions:
Perrault syndrome. Also called: Gonadal dysgenesis with auditory dysfunction, autosomal recessive inheritance. Identifiers: Orphanet 2855, MedGen C0685838, MONDO:0017312.
Bifunctional peroxisomal enzyme deficiency (DBIF). Also called: DBP DEFICIENCY; PBFE DEFICIENCY; D-bifunctional protein deficiency. Identifiers: Orphanet 300, MedGen C0342870, MONDO:0009855, OMIM 261515. Disease mechanism: loss of function.

Allele frequency attached by ClinVar (database versions not stated): ExAC 0.00001; gnomAD exomes 0.00001.
gnomAD v4.1: 10 of 1,607,626 alleles (0.00062%); highest among the groups gnomAD compares: Admixed American, 0.0083%; no homozygotes.

Submission:

Labcorp Genetics (formerly Invitae), Labcorp
Classification: Uncertain significance for Perrault syndrome; Bifunctional peroxisomal enzyme deficiency. Last evaluated: 2022-02-04. Review status: criteria provided, single submitter. Criteria: Invitae Variant Classification Sherloc (09022015). Collection method: clinical testing. Allele origin: germline.
Comment: This sequence change replaces serine, which is neutral and polar, with proline, which is neutral and non-polar, at codon 309 of the HSD17B4 protein (p.Ser309Pro). This variant is present in population databases (rs763640733, gnomAD 0.01%). This variant has not been reported in the literature in individuals affected with HSD17B4-related conditions. Advanced modeling of protein sequence and biophysical properties (such as structural, functional, and spatial information, amino acid conservation, physicochemical variation, residue mobility, and thermodynamic stability) performed at Invitae indicates that this missense variant is not expected to disrupt HSD17B4 protein function. In summary, the available evidence is currently insufficient to determine the role of this variant in disease. Therefore, it has been classified as a Variant of Uncertain Significance.